The following is an entry in ClinVar:

NM_181523.3(PIK3R1):c.468C>T (p.Ser156=)

Gene: PIK3R1 (phosphoinositide-3-kinase regulatory subunit 1; plus strand). Cytogenetic location: 5q13.1.
Variant type: single nucleotide variant.
Coding change: c.468C>T on transcript NM_181523.3 (MANE Select); coding-DNA position 468, C replaced by T.
Protein change: p.Ser156=; no amino-acid change (serine 156 retained).
Molecular consequence: synonymous variant.
Genome position (GRCh38, 1-based): chr5:68,273,979, C>T. VCF-style: chr5-68273979-C-T. GRCh37 (hg19) VCF-style: chr5-67569807-C-T.
Other names: p.Ser156=.
Identifiers: ClinVar variation 1982968 (VCV001982968.5), dbSNP rs1317471010, ClinGen allele CA444486142.

ClinVar aggregate classification (germline): Likely benign. Review status: criteria provided, multiple submitters, no conflicts (2 of 4 stars). 2 submissions from 2 submitters: Likely benign (2). Last evaluated 2025-12-26.

Conditions:
SHORT syndrome. Also called: PIK3R1-Related SHORT Syndrome; SHORT STATURE, HYPEREXTENSIBILITY, HERNIA, OCULAR DEPRESSION, RIEGER ANOMALY, AND TEETHING DELAY; LIPODYSTROPHY, PARTIAL, WITH RIEGER ANOMALY AND SHORT STATURE. Identifiers: Orphanet 3163, MedGen C0878684, MONDO:0010026, OMIM 269880.
Agammaglobulinemia 7, autosomal recessive (AGM7). Also called: AGAMMAGLOBULINEMIA, AUTOSOMAL RECESSIVE, DUE TO PIK3R1 DEFECT. Identifiers: MedGen C3554689, MONDO:0014083, OMIM 615214.
Immunodeficiency 36 with lymphoproliferation. Also called: ACTIVATED PI3K-DELTA SYNDROME 2; Activated PI3K Delta Syndrome Type 2 (APDS2); Immunodeficiency 36. Identifiers: Orphanet 397596, Orphanet 693681, MedGen C4014934, MONDO:0014453, OMIM 616005.

Allele frequency attached by ClinVar (database versions not stated): gnomAD exomes below 0.00001; gnomAD 0.00001; TOPMed 0.00001.

Submissions (2):

Labcorp Genetics (formerly Invitae), Labcorp
Classification: Likely benign for SHORT syndrome; Immunodeficiency 36 with lymphoproliferation; Agammaglobulinemia 7, autosomal recessive. Last evaluated: 2025-12-26. Review status: criteria provided, single submitter. Criteria: Invitae Variant Classification Sherloc (09022015). Collection method: clinical testing. Allele origin: germline.

Mayo Clinic Laboratories, Mayo Clinic
Classification: Likely benign. Last evaluated: 2025-12-17. Review status: criteria provided, single submitter. Criteria: ACMG Guidelines, 2015. Collection method: clinical testing. Allele origin: germline. Observed: 1 variant allele.
Comment: BP4, BP7, PM2_supporting